The following is an entry in ClinVar:

ClinVar aggregate classification (germline): Uncertain significance (1 of 4 stars; one submission).

Submission:

Labcorp Genetics (formerly Invitae), Labcorp
Classification: Uncertain significance. Last evaluated: 2023-09-25. Review status: criteria provided, single submitter. Criteria: Invitae Variant Classification Sherloc (09022015). Collection method: clinical testing. Allele origin: germline.
Comment: An algorithm developed to predict the effect of missense changes on protein structure and function (PolyPhen-2) suggests that this variant is likely to be tolerated. This sequence change replaces glutamine, which is neutral and polar, with arginine, which is basic and polar, at codon 170 of the NANS protein (p.Gln170Arg). This variant is not present in population databases (gnomAD no frequency). This variant has not been reported in the literature in individuals affected with NANS-related conditions. In summary, the available evidence is currently insufficient to determine the role of this variant in disease. Therefore, it has been classified as a Variant of Uncertain Significance.

NM_018946.4(NANS):c.509A>G (p.Gln170Arg)

Genes: NANS (N-acetylneuraminate synthase; plus strand), TRIM14 (tripartite motif containing 14; minus strand). Cytogenetic location: 9q22.33.
Variant type: single nucleotide variant.
Coding change: c.509A>G on transcript NM_018946.4 (MANE Select); coding-DNA position 509, A replaced by G.
Protein change: p.Gln170Arg; replaces glutamine 170 with arginine.
Molecular consequence: missense variant.
Genome position (GRCh38, 1-based): chr9:98,078,253, A>G. VCF-style: chr9-98078253-A-G. GRCh37 (hg19) VCF-style: chr9-100840535-A-G.
Other names: short protein forms Q170R.
Identifiers: ClinVar variation 2881385 (VCV002881385.3), dbSNP rs2490396762, ClinGen allele CA374198724.
Genomic context (GRCh38, chr9:98,078,253, plus strand): 5'-GTCGCCCAATGGTGATCTCCAGTGGGATGCAGTCAATGGACACCATGAAGCAAGTTTATC[A>G]GATCGTGAAGCCCCTCAACCCCAACTTCTGCTTCTTGCAGTGTACCAGCGCATACCCGCT-3'
Protein context (NP_061819.2, residues 160-180): QSMDTMKQVY[Gln170Arg]IVKPLNPNFC